The following is an entry in ClinVar:

ClinVar aggregate classification (germline): Uncertain significance (1 of 4 stars; one submission).

Conditions:
Genitopatellar syndrome (GTPTS). Also called: Genitopatellar syndrome (GPS); ABSENT PATELLAE, SCROTAL HYPOPLASIA, RENAL ANOMALIES, FACIAL DYSMORPHISM, AND MENTAL RETARDATION. Identifiers: Orphanet 85201, MedGen C1853566, MONDO:0011640, OMIM 606170.

Submission:

Labcorp Genetics (formerly Invitae), Labcorp
Classification: Uncertain significance for Genitopatellar syndrome. Last evaluated: 2022-07-25. Review status: criteria provided, single submitter. Criteria: Invitae Variant Classification Sherloc (09022015). Collection method: clinical testing. Allele origin: germline.
Comment: In summary, the available evidence is currently insufficient to determine the role of this variant in disease. Therefore, it has been classified as a Variant of Uncertain Significance. Experimental studies and prediction algorithms are not available or were not evaluated, and the functional significance of this variant is currently unknown. ClinVar contains an entry for this variant (Variation ID: 1413103). This variant has not been reported in the literature in individuals affected with KAT6B-related conditions. Information on the frequency of this variant in the gnomAD database is not available, as this variant may be reported differently in the database. This sequence change replaces serine, which is neutral and polar, with threonine, which is neutral and polar, at codon 515 of the KAT6B protein (p.Ser515Thr).

NM_012330.4(KAT6B):c.1542_1543delinsCA (p.Ser515Thr)

Gene: KAT6B (lysine acetyltransferase 6B; plus strand). Cytogenetic location: 10q22.2.
Variant type: Indel.
Coding change: c.1542_1543delinsCA on transcript NM_012330.4 (MANE Select); coding-DNA positions 1542 to 1543, TT replaced by CA.
Protein change: p.Ser515Thr; replaces serine 515 with threonine.
Molecular consequence: missense variant. On other transcripts: intron variant (13).
Genome position (GRCh38, 1-based): chr10:74,975,879-74,975,880, TT replaced by CA. VCF-style: chr10-74975879-TT-CA. GRCh37 (hg19) VCF-style: chr10-76735637-TT-CA.
Other names: c.1542_1543delinsCA, p.Ser515Thr (NM_001370137.1, NM_001370136.1); c.1117+425_1117+426delinsCA (NM_001370139.1, NM_001370140.1, NM_001370141.1 and 3 more transcripts); c.1444+98_1444+99delinsCA (NM_001370138.1, NM_001256468.2); c.846+6104_846+6105delinsCA (NM_001370133.1); c.193-3345_193-3344delinsCA (NM_001370134.1); c.929-1437_929-1436delinsCA (NM_001370143.1, NM_001370144.1); c.193-13140_193-13139delinsCA (NM_001370135.1); short protein forms S515T.
Identifiers: ClinVar variation 1413103 (VCV001413103.8), dbSNP rs2133726080, ClinGen allele CA2573145640.